The following is an entry in ClinVar:

NM_001130144.3(LTBP3):c.2725+5G>A

Gene: LTBP3 (latent transforming growth factor beta binding protein 3; minus strand). Cytogenetic location: 11q13.1.
Variant type: single nucleotide variant.
Coding change: c.2725+5G>A on transcript NM_001130144.3 (MANE Select); 5 bases into the intron after coding-DNA position 2725, G replaced by A.
Molecular consequence: intron variant.
Genome position (GRCh38, 1-based): chr11:65,541,595, C>T on the plus strand (G>A on the coding strand, the complement: LTBP3 is on the minus strand). VCF-style: chr11-65541595-C-T. GRCh37 (hg19) VCF-style: chr11-65309066-C-T.
Other names: c.2374+5G>A (NM_001164266.1); c.2725+5G>A (NM_021070.4).
Identifiers: ClinVar variation 4999786 (VCV004999786.1).
Genomic context (GRCh38, chr11:65,541,595, plus strand): 5'-TCTGAATCCCAGCTGCAGCTCAGGGGAGTTGTCCAGTCCGAGGGAGGAGCTGGGAGGACA[C>T]TCACCCTCACAACCGTGCTGGTCCTGGGTGGGAGTGAAGCCCTCATCGCAGACACACACA-3'

ClinVar aggregate classification (germline): Uncertain significance (1 of 4 stars; one submission).

Conditions:
LTBP3-related disorder. Also called: LTBP3-related condition.

Submission:

PreventionGenetics, part of Exact Sciences
Classification: Uncertain significance for LTBP3-related condition. Last evaluated: 2025-06-17. Review status: criteria provided, single submitter. Criteria: ACMG Guidelines, 2015. Collection method: clinical testing. Allele origin: germline.
Comment: The LTBP3 c.2725+5G>A variant is predicted to interfere with splicing. To our knowledge, this variant has not been reported in the literature or in a large population database (gnomAD), indicating this variant is rare. At this time, the clinical significance of this variant is uncertain due to the absence of conclusive functional and genetic evidence.